The following is an entry in ClinVar:

ClinVar aggregate classification (germline): Uncertain significance. Review status: criteria provided, multiple submitters, no conflicts (2 of 4 stars). 5 submissions from 5 submitters: Uncertain significance (5). Last evaluated 2026-03-11.

Conditions:
Cardiovascular phenotype. Identifiers: MedGen CN230736.
Hypertrophic cardiomyopathy 14. Identifiers: MedGen C2750467, MONDO:0013197, OMIM 613251.
Atrial septal defect 3 (ASD3). Identifiers: Orphanet 1478, MedGen C3279790, MONDO:0013567, OMIM 614089.
Dilated cardiomyopathy 1EE (CMD1EE). Identifiers: Orphanet 154, MedGen C2750466, MONDO:0013198, OMIM 613252.
Sick sinus syndrome 3, susceptibility to (SSS3). Identifiers: Orphanet 166282, MedGen C3279791, MONDO:0013568, OMIM 614090.
Hypertrophic cardiomyopathy 1 (CMH1). Also called: Familial hypertrophic cardiomyopathy 1; MYH7-Related Familial Hypertrophic Cardiomyopathy. Identifiers: MedGen C3495498, MONDO:0008647, OMIM 192600.
MYH6-related disorder. Also called: MYH6-Related Disorders; MYH6-related condition.

Allele frequency attached by ClinVar (database versions not stated): gnomAD 0.00001 and 0.00002; ExAC 0.00002; gnomAD exomes 0.00002; TOPMed 0.00002.
gnomAD v4.1: 37 of 1,614,058 alleles (0.0023%); highest among the groups gnomAD compares: South Asian, 0.0066%; no homozygotes.

Submissions (5):

PreventionGenetics, part of Exact Sciences
Classification: Uncertain significance for MYH6-related condition. Last evaluated: 2026-03-11. Review status: criteria provided, single submitter. Criteria: ACMG Guidelines, 2015. Collection method: clinical testing. Allele origin: germline.
Comment: The MYH6 c.4874A>G variant is predicted to result in the amino acid substitution p.Asn1625Ser. This variant has been reported in a cohort of individuals with hypertrophic cardiomyopathy (Table S1, Lopes et al. 2015. PubMed ID: 25351510). This variant is reported in 0.0099% of alleles in individuals of Ashkenazi Jewish descent in gnomAD. At this time, the clinical significance of this variant is uncertain due to the absence of conclusive functional and genetic evidence.

Labcorp Genetics (formerly Invitae), Labcorp
Classification: Uncertain significance for Hypertrophic cardiomyopathy 14. Last evaluated: 2025-07-06. Review status: criteria provided, single submitter. Criteria: Invitae Variant Classification Sherloc (09022015). Collection method: clinical testing. Allele origin: germline.
Comment: This sequence change replaces asparagine, which is neutral and polar, with serine, which is neutral and polar, at codon 1625 of the MYH6 protein (p.Asn1625Ser). This variant is present in population databases (rs776765616, gnomAD 0.01%). This variant has not been reported in the literature in individuals affected with MYH6-related conditions. ClinVar contains an entry for this variant (Variation ID: 849171). Invitae Evidence Modeling of protein sequence and biophysical properties (such as structural, functional, and spatial information, amino acid conservation, physicochemical variation, residue mobility, and thermodynamic stability) indicates that this missense variant is not expected to disrupt MYH6 protein function with a negative predictive value of 80%. In summary, the available evidence is currently insufficient to determine the role of this variant in disease. Therefore, it has been classified as a Variant of Uncertain Significance.

Ambry Genetics
Classification: Uncertain significance for Cardiovascular phenotype. Last evaluated: 2024-12-19. Review status: criteria provided, single submitter. Criteria: Ambry Variant Classification Scheme 2023. Collection method: clinical testing. Allele origin: germline.
Comment: The p.N1625S variant (also known as c.4874A>G), located in coding exon 31 of the MYH6 gene, results from an A to G substitution at nucleotide position 4874. The asparagine at codon 1625 is replaced by serine, an amino acid with highly similar properties This amino acid position is highly conserved in available vertebrate species. In addition, this alteration is predicted to be tolerated by in silico analysis. Based on the available evidence, the clinical significance of this variant remains unclear.

Fulgent Genetics
Classification: Uncertain significance for Hypertrophic cardiomyopathy 1; Hypertrophic cardiomyopathy 14; Dilated cardiomyopathy 1EE; Atrial septal defect 3; Sick sinus syndrome 3, susceptibility to. Last evaluated: 2021-11-11. Review status: criteria provided, single submitter. Criteria: ACMG Guidelines, 2015. Collection method: clinical testing. Allele origin: unknown.

GeneDx
Classification: Uncertain significance. Last evaluated: 2021-09-29. Review status: criteria provided, single submitter. Criteria: GeneDx Variant Classification Process June 2021. Collection method: clinical testing. Allele origin: germline. Affected: yes.
Comment: Reported in one individual with HCM (Lopes et al., 2015); however, specific clinical details or segregation studies were not described; In silico analysis, which includes protein predictors and evolutionary conservation, supports a deleterious effect; This variant is associated with the following publications: (PMID: 25351510)

NM_002471.4(MYH6):c.4874A>G (p.Asn1625Ser)

Genes: MYH6 (myosin heavy chain 6; minus strand), LOC126861896 (BRD4-independent group 4 enhancer GRCh37_chr14:23854904-23856103; plus strand). Cytogenetic location: 14q11.2.
Variant type: single nucleotide variant.
Coding change: c.4874A>G on transcript NM_002471.4 (MANE Select); coding-DNA position 4874, A replaced by G.
Protein change: p.Asn1625Ser; replaces asparagine 1625 with serine.
Molecular consequence: missense variant.
Genome position (GRCh38, 1-based): chr14:23,386,400, T>C on the plus strand (A>G on the coding strand, the complement: MYH6 is on the minus strand). VCF-style: chr14-23386400-T-C. GRCh37 (hg19) VCF-style: chr14-23855609-T-C.
Other names: short protein forms N1625S.
Identifiers: ClinVar variation 849171 (VCV000849171.20), dbSNP rs776765616, ClinGen allele CA7114616.